The following is an entry in ClinVar:

NM_001371596.2(MFSD8):c.1116T>A (p.Asn372Lys)

Gene: MFSD8 (major facilitator superfamily domain containing 8; minus strand). Cytogenetic location: 4q28.2.
Variant type: single nucleotide variant.
Coding change: c.1116T>A on transcript NM_001371596.2 (MANE Select); coding-DNA position 1116, T replaced by A.
Protein change: p.Asn372Lys; replaces asparagine 372 with lysine.
Molecular consequence: missense variant.
Genome position (GRCh38, 1-based): chr4:127,921,758, A>T on the plus strand (T>A on the coding strand, the complement: MFSD8 is on the minus strand). VCF-style: chr4-127921758-A-T. GRCh37 (hg19) VCF-style: chr4-128842913-A-T.
Other names: c.915T>A, p.Asn305Lys (NM_001363520.3); c.801T>A, p.Asn267Lys (NM_001363521.3); c.981T>A, p.Asn327Lys (NM_001371590.2); c.1116T>A, p.Asn372Lys (NM_001371591.2, NM_152778.4); c.1122T>A, p.Asn374Lys (NM_001371592.2); c.1002T>A, p.Asn334Lys (NM_001371593.2); c.969T>A, p.Asn323Lys (NM_001371594.2); c.834T>A, p.Asn278Lys (NM_001371595.1); and 2 more; short protein forms N334K, N374K, N267K, N305K, N372K, N278K, N323K, N327K.
Identifiers: ClinVar variation 1045045 (VCV001045045.4), dbSNP rs758114648, ClinGen allele CA3077281.
Genomic context (GRCh38, chr4:127,921,758, plus strand): 5'-TTCCATTGGAGACTTCCAAAGACCAATAATAATTTCCCCAAATGTGGTATTAGGGATTGA[A>T]TTATTGTGCAAATCTGTAAAAACAAAACCATTGCAGTGCATTACTTGTTGATTTTAGATA-3'
Protein context (NP_001358525.1, residues 362-382): PKIQWEDLHN[Asn372Lys]SIPNTTFGEI

ClinVar aggregate classification (germline): Uncertain significance. Review status: criteria provided, single submitter (1 of 4 stars). 2 submissions from 2 submitters: Uncertain significance (1). 1 of the submissions does not count toward it. Last evaluated 2021-08-31.

Conditions:
Late-infantile neuronal ceroid lipofuscinosis. Also called: Jansky-Bielschowsky disease. Identifiers: MedGen C0022340, MONDO:0015674.
Neuronal ceroid lipofuscinosis 7 (CLN7). Also called: MFSD8-Related Neuronal Ceroid-Lipofuscinosis. Identifiers: Orphanet 168491, Orphanet 228366, MedGen C1838571, MONDO:0012588, OMIM 610951.

Allele frequency attached by ClinVar (database versions not stated): gnomAD 0.00001; gnomAD exomes 0.00001 and 0.00002; ExAC 0.00002; TOPMed 0.00002.
gnomAD v4.1: 6 of 1,614,082 alleles (0.00037%); highest among the groups gnomAD compares: East Asian, 0.013%; no homozygotes.

Submissions (2):

Labcorp Genetics (formerly Invitae), Labcorp
Classification: Uncertain significance for Neuronal ceroid lipofuscinosis 7. Last evaluated: 2021-08-31. Review status: criteria provided, single submitter. Criteria: Invitae Variant Classification Sherloc (09022015). Collection method: clinical testing. Allele origin: germline.
Comment: This sequence change replaces asparagine with lysine at codon 372 of the MFSD8 protein (p.Asn372Lys). The asparagine residue is weakly conserved and there is a moderate physicochemical difference between asparagine and lysine. This variant is present in population databases (rs758114648, ExAC 0.02%). This variant has not been reported in the literature in individuals affected with MFSD8-related conditions. Algorithms developed to predict the effect of missense changes on protein structure and function (SIFT, PolyPhen-2, Align-GVGD) all suggest that this variant is likely to be tolerated. In summary, the available evidence is currently insufficient to determine the role of this variant in disease. Therefore, it has been classified as a Variant of Uncertain Significance.

Natera, Inc.
Classification: Uncertain significance for Late-infantile neuronal ceroid lipofuscinosis. Last evaluated: 2020-03-05. Review status: no assertion criteria provided. Collection method: clinical testing. Allele origin: germline. Not counted in ClinVar's aggregate classification.